The following is an entry in ClinVar:

NM_018706.7(DHTKD1):c.1813C>T (p.His605Tyr)

Gene: DHTKD1 (dehydrogenase E1 and transketolase domain containing 1; plus strand). Cytogenetic location: 10p14.
Variant type: single nucleotide variant.
Coding change: c.1813C>T on transcript NM_018706.7 (MANE Select); coding-DNA position 1813, C replaced by T.
Protein change: p.His605Tyr; replaces histidine 605 with tyrosine.
Molecular consequence: missense variant.
Genome position (GRCh38, 1-based): chr10:12,101,098, C>T. VCF-style: chr10-12101098-C-T. GRCh37 (hg19) VCF-style: chr10-12143097-C-T.
Other names: short protein forms H605Y.
Identifiers: ClinVar variation 1927753 (VCV001927753.5), dbSNP rs201356317, ClinGen allele CA376022531.

ClinVar aggregate classification (germline): Uncertain significance (1 of 4 stars; one submission).

Conditions:
2-aminoadipic 2-oxoadipic aciduria (AAKAD). Also called: ALPHA-AMINOADIPIC AND ALPHA-KETOADIPIC ACIDURIA; Aminoadipic aciduria. Identifiers: Orphanet 79154, MedGen C1859817, MONDO:0008774, OMIM 204750.

Allele frequency attached by ClinVar (database versions not stated): gnomAD exomes below 0.00001; TOPMed 0.00001.

Submission:

Labcorp Genetics (formerly Invitae), Labcorp
Classification: Uncertain significance for 2-aminoadipic 2-oxoadipic aciduria. Last evaluated: 2022-05-16. Review status: criteria provided, single submitter. Criteria: Invitae Variant Classification Sherloc (09022015). Collection method: clinical testing. Allele origin: germline.
Comment: This sequence change replaces histidine, which is basic and polar, with tyrosine, which is neutral and polar, at codon 605 of the DHTKD1 protein (p.His605Tyr). This variant is not present in population databases (gnomAD no frequency). This variant has not been reported in the literature in individuals affected with DHTKD1-related conditions. Algorithms developed to predict the effect of missense changes on protein structure and function are either unavailable or do not agree on the potential impact of this missense change (SIFT: "Deleterious"; PolyPhen-2: "Probably Damaging"; Align-GVGD: "Class C0"). In summary, the available evidence is currently insufficient to determine the role of this variant in disease. Therefore, it has been classified as a Variant of Uncertain Significance.